The following is an entry in ClinVar:

NM_014236.4(GNPAT):c.1743+307T>C

Gene: GNPAT (glyceronephosphate O-acyltransferase; plus strand). Cytogenetic location: 1q42.2.
Variant type: single nucleotide variant.
Coding change: c.1743+307T>C on transcript NM_014236.4 (MANE Select); 307 bases into the intron after coding-DNA position 1743, T replaced by C.
Molecular consequence: intron variant.
Genome position (GRCh38, 1-based): chr1:231,274,369, T>C. VCF-style: chr1-231274369-T-C. GRCh37 (hg19) VCF-style: chr1-231410115-T-C.
Other names: c.1560+307T>C (NM_001316350.2).
Identifiers: ClinVar variation 667599 (VCV000667599.1), dbSNP rs578945, ClinGen allele CA10705260.

ClinVar aggregate classification (germline): Benign (1 of 4 stars; one submission).

Allele frequency attached by ClinVar (database versions not stated): 1000 Genomes Project 0.42512; 1000 Genomes Project 30x 0.42755; TOPMed 0.44377; gnomAD 0.45564 and 0.45956.
gnomAD v4.1: 69,352 of 152,060 alleles (46%); highest among the groups gnomAD compares: Middle Eastern, 52%; 16,015 homozygotes.

Submission:

GeneDx
Classification: Benign. Last evaluated: 2018-06-19. Review status: criteria provided, single submitter. Criteria: GeneDx Variant Classification (06012015). Collection method: clinical testing. Allele origin: germline. Affected: yes.
Comment: This variant is considered likely benign or benign based on one or more of the following criteria: it is a conservative change, it occurs at a poorly conserved position in the protein, it is predicted to be benign by multiple in silico algorithms, and/or has population frequency not consistent with disease.